The following is an entry in ClinVar:

ClinVar aggregate classification (germline): Uncertain significance (1 of 4 stars; one submission).

Conditions:
Hypertrophic cardiomyopathy 14. Identifiers: MedGen C2750467, MONDO:0013197, OMIM 613251.

Submission:

Labcorp Genetics (formerly Invitae), Labcorp
Classification: Uncertain significance for Hypertrophic cardiomyopathy 14. Last evaluated: 2022-01-05. Review status: criteria provided, single submitter. Criteria: Invitae Variant Classification Sherloc (09022015). Collection method: clinical testing. Allele origin: germline.
Comment: This sequence change replaces glutamic acid, which is acidic and polar, with glutamine, which is neutral and polar, at codon 1255 of the MYH6 protein (p.Glu1255Gln). In summary, the available evidence is currently insufficient to determine the role of this variant in disease. Therefore, it has been classified as a Variant of Uncertain Significance. Algorithms developed to predict the effect of missense changes on protein structure and function are either unavailable or do not agree on the potential impact of this missense change (SIFT: "Deleterious"; PolyPhen-2: "Possibly Damaging"; Align-GVGD: "Class C0"). ClinVar contains an entry for this variant (Variation ID: 651627). This variant has not been reported in the literature in individuals affected with MYH6-related conditions. This variant is not present in population databases (gnomAD no frequency).

NM_002471.4(MYH6):c.3763G>C (p.Glu1255Gln)

Gene: MYH6 (myosin heavy chain 6; minus strand). Cytogenetic location: 14q11.2.
Variant type: single nucleotide variant.
Coding change: c.3763G>C on transcript NM_002471.4 (MANE Select); coding-DNA position 3763, G replaced by C.
Protein change: p.Glu1255Gln; replaces glutamic acid 1255 with glutamine.
Molecular consequence: missense variant.
Genome position (GRCh38, 1-based): chr14:23,389,689, C>G on the plus strand (G>C on the coding strand, the complement: MYH6 is on the minus strand). VCF-style: chr14-23389689-C-G. GRCh37 (hg19) VCF-style: chr14-23858898-C-G.
Other names: short protein forms E1255Q.
Identifiers: ClinVar variation 651627 (VCV000651627.8), dbSNP rs1595053286, ClinGen allele CA389003832.